The following is an entry in ClinVar:

NM_003482.4(KMT2D):c.1311G>C (p.Glu437Asp)

Gene: KMT2D (lysine methyltransferase 2D; minus strand). Cytogenetic location: 12q13.12.
Variant type: single nucleotide variant.
Coding change: c.1311G>C on transcript NM_003482.4 (MANE Select); coding-DNA position 1311, G replaced by C.
Protein change: p.Glu437Asp; replaces glutamic acid 437 with aspartic acid.
Molecular consequence: missense variant.
Genome position (GRCh38, 1-based): chr12:49,052,372, C>G on the plus strand (G>C on the coding strand, the complement: KMT2D is on the minus strand). VCF-style: chr12-49052372-C-G. GRCh37 (hg19) VCF-style: chr12-49446155-C-G.
Other names: short protein forms E437D.
Identifiers: ClinVar variation 2701443 (VCV002701443.3), dbSNP rs1414201568, ClinGen allele CA384675502.

ClinVar aggregate classification (germline): Uncertain significance (1 of 4 stars; one submission).

Conditions:
Kabuki syndrome. Also called: Kabuki make-up syndrome; NIIKAWA-KUROKI SYNDROME. Identifiers: Orphanet 2322, MedGen C0796004, MONDO:0016512.

Submission:

Labcorp Genetics (formerly Invitae), Labcorp
Classification: Uncertain significance for Kabuki syndrome. Last evaluated: 2023-12-08. Review status: criteria provided, single submitter. Criteria: Invitae Variant Classification Sherloc (09022015). Collection method: clinical testing. Allele origin: germline.
Comment: This sequence change replaces glutamic acid, which is acidic and polar, with aspartic acid, which is acidic and polar, at codon 437 of the KMT2D protein (p.Glu437Asp). This variant is not present in population databases (gnomAD no frequency). This variant has not been reported in the literature in individuals affected with KMT2D-related conditions. Advanced modeling of protein sequence and biophysical properties (such as structural, functional, and spatial information, amino acid conservation, physicochemical variation, residue mobility, and thermodynamic stability) performed at Invitae indicates that this missense variant is not expected to disrupt KMT2D protein function with a negative predictive value of 95%. In summary, the available evidence is currently insufficient to determine the role of this variant in disease. Therefore, it has been classified as a Variant of Uncertain Significance.